The following is an entry in ClinVar:

NM_001369268.1(ACAN):c.7318C>T (p.Arg2440Cys)

Gene: ACAN (aggrecan; plus strand). Cytogenetic location: 15q26.1.
Variant type: single nucleotide variant.
Coding change: c.7318C>T on transcript NM_001369268.1 (MANE Select); coding-DNA position 7318, C replaced by T.
Protein change: p.Arg2440Cys; replaces arginine 2440 with cysteine.
Molecular consequence: missense variant.
Genome position (GRCh38, 1-based): chr15:88,872,896, C>T. VCF-style: chr15-88872896-C-T. GRCh37 (hg19) VCF-style: chr15-89416127-C-T.
Other names: c.7204C>T (NM_013227.3); c.7090C>T, p.Arg2364Cys (NM_001135.4); c.7204C>T, p.Arg2402Cys (NM_013227.4); short protein forms R2364C, R2402C, R2440C.
Identifiers: ClinVar variation 1493820 (VCV001493820.7), dbSNP rs751606366, ClinGen allele CA7720659.
Genomic context (GRCh38, chr15:88,872,896, plus strand): 5'-CACTGTCCTGCCCTCTCCTTACTCCTTCCCCACTCCCACCCACAGCAATTTGAGAACTGG[C>T]GCCCCAACCAGCCTGACAACTTTTTTGCCGCTGGAGAGGACTGTGTGGTGATGATCTGGC-3'
Protein context (NP_001356197.1, residues 2430-2450): DGHPMQFENW[Arg2440Cys]PNQPDNFFAA

ClinVar aggregate classification (germline): Uncertain significance. Review status: criteria provided, multiple submitters, no conflicts (2 of 4 stars). 2 submissions from 2 submitters: Uncertain significance (2). Last evaluated 2024-03-27.

Conditions:
Inborn genetic diseases. Identifiers: MedGen C0950123, MeSH D030342.

Allele frequency attached by ClinVar (database versions not stated): gnomAD 0.00001; ExAC 0.00002; gnomAD exomes 0.00002; TOPMed 0.00003.
gnomAD v4.1: 23 of 1,613,434 alleles (0.0014%); highest among the groups gnomAD compares: African/African-American, 0.0027%; no homozygotes.

Submissions (2):

Labcorp Genetics (formerly Invitae), Labcorp
Classification: Uncertain significance. Last evaluated: 2024-03-27. Review status: criteria provided, single submitter. Criteria: Invitae Variant Classification Sherloc (09022015). Collection method: clinical testing. Allele origin: germline.
Comment: This sequence change replaces arginine, which is basic and polar, with cysteine, which is neutral and slightly polar, at codon 2402 of the ACAN protein (p.Arg2402Cys). This variant is present in population databases (rs751606366, gnomAD 0.004%). This variant has not been reported in the literature in individuals affected with ACAN-related conditions. ClinVar contains an entry for this variant (Variation ID: 1493820). An algorithm developed to predict the effect of missense changes on protein structure and function (PolyPhen-2) suggests that this variant is likely to be disruptive. In summary, the available evidence is currently insufficient to determine the role of this variant in disease. Therefore, it has been classified as a Variant of Uncertain Significance.

Ambry Genetics
Classification: Uncertain significance for Inborn genetic diseases. Last evaluated: 2021-06-22. Review status: criteria provided, single submitter. Criteria: Ambry Variant Classification Scheme 2023. Collection method: clinical testing. Allele origin: germline.